The following is an entry in ClinVar:

ClinVar aggregate classification (germline): Benign/Likely benign. Review status: criteria provided, multiple submitters, no conflicts (2 of 4 stars). 2 submissions from 2 submitters: Benign (1); Likely benign (1). Last evaluated 2024-05-10.

Conditions:
Familial cancer of breast. Also called: BREAST CANCER, FAMILIAL; hereditary breast carcinoma; Hereditary breast cancer. Identifiers: Orphanet 227535, MedGen C0346153, MONDO:0016419, OMIM 114480. Disease mechanism: loss of function.
Ataxia-telangiectasia syndrome (AT). Also called: LOUIS-BAR SYNDROME; Cerebello-oculocutaneous telangiectasia; Immunodeficiency with ataxia telangiectasia; Ataxia-telangiectasia, complementation group E; Ataxia-telangiectasia, complementation group D; AT, COMPLEMENTATION GROUP C. Identifiers: Orphanet 100, MedGen C0004135, MONDO:0008840, OMIM 208900.

Submissions (2):

Myriad Genetics, Inc.
Classification: Benign for Familial cancer of breast. Last evaluated: 2024-05-10. Review status: criteria provided, single submitter. Criteria: Myriad Autosomal Dominant, Autosomal Recessive and X-Linked Classification Criteria (2023). Collection method: clinical testing. Allele origin: unknown.
Comment: This variant is considered benign. This variant is a silent/synonymous amino acid change and it is not expected to impact splicing.

Labcorp Genetics (formerly Invitae), Labcorp
Classification: Likely benign for Ataxia-telangiectasia syndrome. Last evaluated: 2024-04-29. Review status: criteria provided, single submitter. Criteria: Invitae Variant Classification Sherloc (09022015). Collection method: clinical testing. Allele origin: germline.

NM_000051.4(ATM):c.2646T>C (p.Ile882=)

Gene: ATM (ATM serine/threonine kinase; plus strand). Cytogenetic location: 11q22.3.
Variant type: single nucleotide variant.
Coding change: c.2646T>C on transcript NM_000051.4 (MANE Select); coding-DNA position 2646, T replaced by C.
Protein change: p.Ile882=; no amino-acid change (isoleucine 882 retained).
Molecular consequence: synonymous variant.
Genome position (GRCh38, 1-based): chr11:108,268,417, T>C. VCF-style: chr11-108268417-T-C. GRCh37 (hg19) VCF-style: chr11-108139144-T-C.
Other names: c.2646T>C, p.Ile882= (NM_001351834.2).
Identifiers: ClinVar variation 696141 (VCV000696141.8), dbSNP rs1591593585, ClinGen allele CA476673755.